The following is an entry in ClinVar:

ClinVar aggregate classification (germline): Likely benign. Review status: reviewed by expert panel (3 of 4 stars). 2 submissions from 2 submitters: Likely benign (1). 1 of the submissions does not count toward it. Last evaluated 2023-02-13.

Conditions:
Very long chain acyl-CoA dehydrogenase deficiency (ACADVLD). Also called: VLCAD Deficiency; Very Long-Chain Acyl-Coenzyme A Dehydrogenase Deficiency. Identifiers: Orphanet 26793, MedGen C3887523, MONDO:0008723, OMIM 201475.

Submissions (2):

ClinGen ACADVL Variant Curation Expert Panel, ClinGen
Classification: Likely benign for Very long chain acyl-CoA dehydrogenase deficiency. Last evaluated: 2023-02-13. Review status: reviewed by expert panel. Criteria: clingen acadvl acmg specifications v1. Collection method: curation. Allele origin: germline. Inheritance: Autosomal recessive inheritance.
Comment: The c.579C>T (p.Gly193=) variant is a synonymous (silent) variant that is not predicted by Splice AI, MaxEntScn or NNSplice to impact splicing. In addition, it occurs at a nucleotide that is not conserved as shown by phyloP (BP4, BP7). To our knowledge, this variant is not reported in the medical literature. This variant is absent from gnomAD v2.1.1; however, this is not considered conflicting evidence with BP4 and BP7. In summary, this variant meets the criteria to be classified as likely benign for autosomal recessive very long chain acyl-CoA dehydrogenase (VLCAD) deficiency based on the ACMG/AMP criteria applied, as specified by the ClinGen ACADVL Variant Curation Expert Panel: BP4, BP7 (ACADVL VCEP specifications version 1; approved November 8, 2021).

Labcorp Genetics (formerly Invitae), Labcorp
Classification: Likely benign for Very long chain acyl-CoA dehydrogenase deficiency. Last evaluated: 2023-01-28. Review status: criteria provided, single submitter. Criteria: Invitae Variant Classification Sherloc (09022015). Collection method: clinical testing. Allele origin: germline. Not counted in ClinVar's aggregate classification.

NM_000018.4(ACADVL):c.579C>T (p.Gly193=)

Gene: ACADVL (acyl-CoA dehydrogenase very long chain; plus strand). Cytogenetic location: 17p13.1.
Variant type: single nucleotide variant.
Coding change: c.579C>T on transcript NM_000018.4 (MANE Select); coding-DNA position 579, C replaced by T.
Protein change: p.Gly193=; no amino-acid change (glycine 193 retained).
Molecular consequence: synonymous variant.
Genome position (GRCh38, 1-based): chr17:7,221,639, C>T. VCF-style: chr17-7221639-C-T. GRCh37 (hg19) VCF-style: chr17-7124958-C-T.
Other names: NM_001270448.2:c.351C>T; c.513C>T, p.Gly171= (NM_001033859.3); c.648C>T, p.Gly216= (NM_001270447.2); c.351C>T, p.Gly117= (NM_001270448.2).
Identifiers: ClinVar variation 2446889 (VCV002446889.4), dbSNP rs11548306, ClinGen allele CA287436447.